The following is an entry in ClinVar:

NM_000391.4(TPP1):c.840G>C (p.Leu280=)

Gene: TPP1 (tripeptidyl peptidase 1; minus strand). Cytogenetic location: 11p15.4.
Variant type: single nucleotide variant.
Coding change: c.840G>C on transcript NM_000391.4 (MANE Select); coding-DNA position 840, G replaced by C.
Protein change: p.Leu280=; no amino-acid change (leucine 280 retained).
Molecular consequence: synonymous variant.
Genome position (GRCh38, 1-based): chr11:6,616,707, C>G on the plus strand (G>C on the coding strand, the complement: TPP1 is on the minus strand). VCF-style: chr11-6616707-C-G. GRCh37 (hg19) VCF-style: chr11-6637938-C-G.
Other names: p.L280L:CTG>CTC; p.Leu280=.
Identifiers: ClinVar variation 92885 (VCV000092885.93), dbSNP rs140349036, ClinGen allele CA289080.

ClinVar aggregate classification (germline): Conflicting classifications of pathogenicity. Review status: criteria provided, conflicting classifications (1 of 4 stars). 12 submissions from 12 submitters: Uncertain significance (2); Benign (4); Likely benign (5). 1 of the submissions does not count toward it. Last evaluated 2026-07-01.

Conditions:
Inborn genetic diseases. Identifiers: MedGen C0950123, MeSH D030342.
Neuronal ceroid lipofuscinosis 2. Also called: TPP1-Related Neuronal Ceroid-Lipofuscinosis; JANSKY-BIELSCHOWSKY DISEASE NEURONAL CEROID LIPOFUSCINOSIS, LATE INFANTILE. Identifiers: Orphanet 168491, Orphanet 228349, Orphanet 79264, MedGen C1876161, MONDO:0008769, OMIM 204500.

Allele frequency attached by ClinVar (database versions not stated): 1000 Genomes Project 30x 0.00141; 1000 Genomes Project 0.00160; ExAC 0.00249; gnomAD exomes 0.00252 and 0.00368; gnomAD 0.00255 and 0.00257; TOPMed 0.00274; ESP Exome Variant Server 0.00346.

Submissions (12):

CeGaT Center for Human Genetics Tuebingen
Classification: Likely benign. Last evaluated: 2026-07-01. Review status: criteria provided, single submitter. Criteria: CeGaT Center For Human Genetics Tuebingen Variant Classification Criteria Version 2. Collection method: clinical testing. Allele origin: germline. Affected: yes. Observed: 19 variant alleles.
Comment: TPP1: BP4, BP7, BS2

Labcorp Genetics (formerly Invitae), Labcorp
Classification: Benign. Last evaluated: 2026-02-02. Review status: criteria provided, single submitter. Criteria: Invitae Variant Classification Sherloc (09022015). Collection method: clinical testing. Allele origin: germline.

ARUP Laboratories, Molecular Genetics and Genomics, ARUP Laboratories
Classification: Benign. Last evaluated: 2025-03-13. Review status: criteria provided, single submitter. Criteria: ARUP Molecular Germline Variant Investigation Process 2024. Collection method: clinical testing. Allele origin: germline.

Mayo Clinic Laboratories, Mayo Clinic
Classification: Likely benign. Last evaluated: 2025-02-03. Review status: criteria provided, single submitter. Criteria: ACMG Guidelines, 2015. Collection method: clinical testing. Allele origin: germline. Observed: 3 variant alleles.
Comment: BS1, BP4, BP7

Blueprint Genetics
Classification: Likely benign. Last evaluated: 2024-11-27. Review status: criteria provided, single submitter. Criteria: ACMG Guidelines, 2015. Collection method: clinical testing. Allele origin: germline.

Athena Diagnostics
Classification: Benign. Last evaluated: 2018-12-27. Review status: criteria provided, single submitter. Criteria: Athena Diagnostics Criteria. Collection method: clinical testing. Allele origin: germline.

Illumina Laboratory Services, Illumina
Classification: Uncertain significance for Neuronal ceroid lipofuscinosis 2. Last evaluated: 2018-01-13. Review status: criteria provided, single submitter. Criteria: ICSL Variant Classification Criteria 13 December 2019. Collection method: clinical testing. Allele origin: germline.

Ambry Genetics
Classification: Likely benign for Inborn genetic diseases. Last evaluated: 2016-07-26. Review status: criteria provided, single submitter. Criteria: Ambry Variant Classification Scheme 2023. Collection method: clinical testing. Allele origin: germline.

Eurofins Ntd Llc (ga)
Classification: Likely benign. Last evaluated: 2015-01-30. Review status: criteria provided, single submitter. Criteria: EGL Classification Definitions 2015. Collection method: clinical testing. Allele origin: germline. Observed: 2 variant alleles, 2 heterozygotes.

Genetic Services Laboratory, University of Chicago
Classification: Uncertain significance. Last evaluated: 2014-08-14. Review status: criteria provided, single submitter. Criteria: ACMG Guidelines, 2015. Collection method: clinical testing. Allele origin: germline.

GeneDx
Classification: Benign. Last evaluated: 2013-01-21. Review status: criteria provided, single submitter. Criteria: GeneDx Variant Classification (06012015). Collection method: clinical testing. Allele origin: germline. Affected: yes.
Comment: This variant is considered likely benign or benign based on one or more of the following criteria: it is a conservative change, it occurs at a poorly conserved position in the protein, it is predicted to be benign by multiple in silico algorithms, and/or has population frequency not consistent with disease.

Natera, Inc.
Classification: Likely benign for Neuronal ceroid lipofuscinosis 2. Last evaluated: 2020-04-14. Review status: no assertion criteria provided. Collection method: clinical testing. Allele origin: germline. Not counted in ClinVar's aggregate classification.